The following is an entry in ClinVar:

NM_002485.5(NBN):c.986C>A (p.Pro329His)

Gene: NBN (nibrin; minus strand). Cytogenetic location: 8q21.3.
Variant type: single nucleotide variant.
Coding change: c.986C>A on transcript NM_002485.5 (MANE Select); coding-DNA position 986, C replaced by A.
Protein change: p.Pro329His; replaces proline 329 with histidine.
Molecular consequence: missense variant.
Genome position (GRCh38, 1-based): chr8:89,964,418, G>T on the plus strand (C>A on the coding strand, the complement: NBN is on the minus strand). VCF-style: chr8-89964418-G-T. GRCh37 (hg19) VCF-style: chr8-90976646-G-T.
Other names: c.740C>A, p.Pro247His (NM_001024688.3); short protein forms P329H, P247H.
Identifiers: ClinVar variation 848507 (VCV000848507.10), dbSNP rs1386471248, ClinGen allele CA371656854.

ClinVar aggregate classification (germline): Uncertain significance. Review status: criteria provided, multiple submitters, no conflicts (2 of 4 stars). 2 submissions from 2 submitters: Uncertain significance (2). Last evaluated 2026-03-06.

Conditions:
Hereditary cancer-predisposing syndrome. Also called: Hereditary Cancer Syndrome; Tumor predisposition; Neoplastic Syndromes, Hereditary; Hereditary neoplastic syndrome. Identifiers: Orphanet 140162, MedGen C0027672, MeSH D009386, MONDO:0015356.
Microcephaly, normal intelligence and immunodeficiency (NBS). Also called: IMMUNODEFICIENCY, MICROCEPHALY, AND CHROMOSOMAL INSTABILITY; SEEMANOVA SYNDROME II; Nijmegen breakage syndrome; Microcephaly with normal intelligence immunodeficiency and lymphoreticular malignancies; Nonsyndromal microcephaly autosomal recessive with normal intelligence; Seemanova syndrome 2. Identifiers: Orphanet 647, MedGen C0398791, MONDO:0009623, OMIM 251260.

Submissions (2):

Ambry Genetics
Classification: Uncertain significance for Hereditary cancer-predisposing syndrome. Last evaluated: 2026-03-06. Review status: criteria provided, single submitter. Criteria: Ambry Variant Classification Scheme 2023. Collection method: clinical testing. Allele origin: germline.
Comment: The p.P329H variant (also known as c.986C>A), located in coding exon 8 of the NBN gene, results from a C to A substitution at nucleotide position 986. The proline at codon 329 is replaced by histidine, an amino acid with similar properties. This amino acid position is conserved. In addition, this alteration is predicted to be tolerated by in silico analysis. Based on the available evidence, the clinical significance of this variant remains unclear.

Labcorp Genetics (formerly Invitae), Labcorp
Classification: Uncertain significance for Microcephaly, normal intelligence and immunodeficiency. Last evaluated: 2025-06-23. Review status: criteria provided, single submitter. Criteria: Invitae Variant Classification Sherloc (09022015). Collection method: clinical testing. Allele origin: germline.
Comment: This sequence change replaces proline, which is neutral and non-polar, with histidine, which is basic and polar, at codon 329 of the NBN protein (p.Pro329His). This variant is not present in population databases (gnomAD no frequency). This variant has not been reported in the literature in individuals affected with NBN-related conditions. ClinVar contains an entry for this variant (Variation ID: 848507). An algorithm developed to predict the effect of missense changes on protein structure and function (PolyPhen-2) suggests that this variant is likely to be tolerated. In summary, the available evidence is currently insufficient to determine the role of this variant in disease. Therefore, it has been classified as a Variant of Uncertain Significance.